The following is an entry in ClinVar:

NM_014714.4(IFT140):c.54del (p.Ser19fs)

Genes: IFT140 (intraflagellar transport 140; minus strand), LOC105371046 (uncharacterized LOC105371046; plus strand). Cytogenetic location: 16p13.3.
Variant type: Deletion.
Coding change: c.54del on transcript NM_014714.4 (MANE Select); coding-DNA position 54, one base deleted (C; older notation c.54delC).
Protein change: p.Ser19fs; shifts the reading frame from serine 19.
Molecular consequence: frameshift variant.
Genome position (GRCh38, 1-based): chr16:1,607,213, G deleted on the plus strand (C on the coding strand, the reverse complement: IFT140 is on the minus strand); the first of 3 consecutive G bases (chr16:1,607,213-1,607,215); deleting any one gives the same sequence. VCF-style (leftmost placement, unchanged base first): chr16-1607212-AG-A. GRCh37 (hg19) VCF-style: chr16-1657213-AG-A.
Other names: short protein forms S19fs.
Identifiers: ClinVar variation 1073514 (VCV001073514.10), dbSNP rs2142100542, ClinGen allele CA2499223250.

ClinVar aggregate classification (germline): Pathogenic (1 of 4 stars; one submission).

Conditions:
Saldino-Mainzer syndrome (SRTD9). Also called: CONORENAL SYNDROME; Renal dysplasia, retinal pigmentary dystrophy, cerebellar ataxia and skeletal dysplasia; short-rib thoracic dysplasia 9 with or without polydactyly; SHORT-RIB THORACIC DYSPLASIA 9 WITHOUT POLYDACTYLY. Identifiers: Orphanet 140969, MedGen C1849437, MONDO:0009964, OMIM 266920.

Submission:

Labcorp Genetics (formerly Invitae), Labcorp
Classification: Pathogenic for Saldino-Mainzer syndrome. Last evaluated: 2025-04-17. Review status: criteria provided, single submitter. Criteria: Invitae Variant Classification Sherloc (09022015). Collection method: clinical testing. Allele origin: germline.
Comment: This sequence change creates a premature translational stop signal (p.Ser19Hisfs*67) in the IFT140 gene. It is expected to result in an absent or disrupted protein product. Loss-of-function variants in IFT140 are known to be pathogenic (PMID: 22503633, 23418020, 24009529, 26216056). This variant is not present in population databases (gnomAD no frequency). This premature translational stop signal has been observed in individual(s) with retinitis pigmentosa (internal data). ClinVar contains an entry for this variant (Variation ID: 1073514). For these reasons, this variant has been classified as Pathogenic.

Literature cited by the submitters: PubMed 22503633; PubMed 23418020; PubMed 24009529; PubMed 26216056.